The following is an entry in ClinVar:

NM_006015.6(ARID1A):c.3809A>G (p.Asn1270Ser)

Gene: ARID1A (AT-rich interaction domain 1A; plus strand). Cytogenetic location: 1p36.11.
Variant type: single nucleotide variant.
Coding change: c.3809A>G on transcript NM_006015.6 (MANE Select); coding-DNA position 3809, A replaced by G.
Protein change: p.Asn1270Ser; replaces asparagine 1270 with serine.
Molecular consequence: missense variant.
Genome position (GRCh38, 1-based): chr1:26,773,439, A>G. VCF-style: chr1-26773439-A-G. GRCh37 (hg19) VCF-style: chr1-27099930-A-G.
Other names: c.3809A>G, p.Asn1270Ser (NM_139135.4); short protein forms N1270S.
Identifiers: ClinVar variation 3346660 (VCV003346660.1).

ClinVar aggregate classification (germline): Uncertain significance (0 of 4 stars; one submission).

Conditions:
ARID1A-related disorder. Also called: ARID1A-related condition.

gnomAD v4.1: 2 of 1,613,670 alleles (0.00012%); highest among the groups gnomAD compares: Non-Finnish European, 0.00017%; no homozygotes.

Submission:

PreventionGenetics, part of Exact Sciences
Classification: Uncertain significance for ARID1A-related condition. Last evaluated: 2024-07-30. Review status: no assertion criteria provided. Collection method: clinical testing. Allele origin: germline.
Comment: The ARID1A c.3809A>G variant is predicted to result in the amino acid substitution p.Asn1270Ser. To our knowledge, this variant has not been reported in the literature or in a large population database, indicating this variant is rare. Of note, in multiple species a serine (Ser) is present at the Asn1270 residue. At this time, the clinical significance of this variant is uncertain due to the absence of conclusive functional and genetic evidence.